The following is an entry in ClinVar:

NM_003467.3(CXCR4):c.970_971insTCCT (p.Ser324fs)

Gene: CXCR4 (C-X-C motif chemokine receptor 4; minus strand). Cytogenetic location: 2q22.1.
Variant type: Insertion.
Coding change: c.970_971insTCCT on transcript NM_003467.3 (MANE Select); coding-DNA positions 970 to 971, TCCT inserted.
Protein change: p.Ser324fs; shifts the reading frame from serine 324.
Molecular consequence: frameshift variant.
Genome position: GRCh38 VCF-style: chr2-136114957-G-GAGGA. GRCh37 (hg19) VCF-style: chr2-136872527-G-GAGGA.
Other names: c.982_983insTCCT, p.Ser328fs (NM_001008540.2); c.1183_1184insTCCT, p.Ser395fs (NM_001348056.2); c.1069_1070insTCCT, p.Ser357fs (NM_001348059.2); c.925_926insTCCT, p.Ser309fs (NM_001348060.2); short protein forms S309fs, S324fs, S328fs, S357fs, S395fs.
Identifiers: ClinVar variation 3902805 (VCV003902805.2).

ClinVar aggregate classification (germline): Pathogenic (1 of 4 stars; one submission).

Conditions:
WHIM syndrome 1 (WHIMS). Identifiers: Orphanet 51636, MedGen C5542296, MONDO:8000006, OMIM 193670.

Submission:

Research Department, X4 Pharmaceuticals (Austria) GmbH
Classification: Pathogenic for WHIM syndrome 1. Last evaluated: 2025-06-03. Review status: criteria provided, single submitter. Criteria: ACMG Guidelines, 2015. Collection method: curation, in vitro. Allele origin: germline, not applicable. Inheritance: Autosomal dominant inheritance. Affected: yes. Observed: 1 variant allele, 1 heterozygote. Functional consequence: gain_of_function_variant.
Comment: The p.Ser324Phefs*21 frameshift variant has been observed in an individual with clinical features of WHIM syndrome (PMID: 35947323); the variant was observed to be de novo. Experimental studies have shown that this premature translational stop signal affects CXCR4 function (PMID: 35947323). This variant is located in a region of the CXCR4 protein where a significant number of CXCR4 nonsense and frameshift mutations have been reported in association with autosomal dominant WHIM syndrome (PMID: 31313072, 32784523, 35947323, 39040098). This variant is not present in population databases (gnomAD no frequency).

Literature cited by the submitters: PubMed 35947323; DOI 10.24287/1726-1708-2020-19-4suppl-68-75.